The following is an entry in ClinVar:

ClinVar aggregate classification (germline): Uncertain significance (1 of 4 stars; one submission).

Conditions:
Inborn genetic diseases. Identifiers: MedGen C0950123, MeSH D030342.

Allele frequency attached by ClinVar (database versions not stated): ExAC 0.00001; gnomAD exomes 0.00001; gnomAD 0.00006; ESP Exome Variant Server 0.00008; TOPMed 0.00008.

Submission:

Ambry Genetics
Classification: Uncertain significance for Inborn genetic diseases. Last evaluated: 2020-10-30. Review status: criteria provided, single submitter. Criteria: Ambry Variant Classification Scheme 2023. Collection method: clinical testing. Allele origin: germline.
Comment: The p.D1489G variant (also known as c.4466A>G), located in coding exon 21 of the SHANK3 gene, results from an A to G substitution at nucleotide position 4466. The aspartic acid at codon 1489 is replaced by glycine, an amino acid with similar properties. This amino acid position is not well conserved in available vertebrate species. Since supporting evidence is limited at this time, the clinical significance of this alteration remains unclear.

NM_001372044.2(SHANK3):c.4691A>G (p.Asp1564Gly)

Gene: SHANK3 (SH3 and multiple ankyrin repeat domains 3; plus strand). Cytogenetic location: 22q13.33.
Variant type: single nucleotide variant.
Coding change: c.4691A>G on transcript NM_001372044.2 (MANE Select); coding-DNA position 4691, A replaced by G.
Protein change: p.Asp1564Gly; replaces aspartic acid 1564 with glycine.
Molecular consequence: missense variant.
Genome position (GRCh38, 1-based): chr22:50,722,299, A>G. VCF-style: chr22-50722299-A-G. GRCh37 (hg19) VCF-style: chr22-51160727-A-G.
Other names: c.4466A>G, p.Asp1489Gly (NM_033517.1); short protein forms D1489G, D1564G.
Identifiers: ClinVar variation 1740793 (VCV001740793.2), dbSNP rs367770399, ClinGen allele CA10326293.